The following is an entry in ClinVar:

ClinVar aggregate classification (germline): Likely benign (1 of 4 stars; one submission).

Conditions:
Colorectal cancer, susceptibility to, 1. Also called: COLORECTAL ADENOMA AND CANCER, SUSCEPTIBILITY TO; COLORECTAL CANCER, SUSCEPTIBILITY TO, ON CHROMOSOME 9. Identifiers: MedGen C1837315, MONDO:0012132, OMIM 608812.

Submission:

Myriad Genetics, Inc.
Classification: Likely benign for Colorectal cancer, susceptibility to, 1. Last evaluated: 2026-04-21. Review status: criteria provided, single submitter. Criteria: Myriad Autosomal Dominant, Autosomal Recessive and X-Linked Classification Criteria (2023). Collection method: clinical testing. Allele origin: unknown.
Comment: This variant is considered likely benign. This variant is intronic and is not expected to impact mRNA splicing.

NM_024642.5(GALNT12):c.542-6C>T

Gene: GALNT12 (polypeptide N-acetylgalactosaminyltransferase 12; plus strand). Cytogenetic location: 9q22.33.
Variant type: single nucleotide variant.
Coding change: c.542-6C>T on transcript NM_024642.5 (MANE Select); 6 bases into the intron before coding-DNA position 542, C replaced by T.
Molecular consequence: intron variant.
Genome position (GRCh38, 1-based): chr9:98,826,746, C>T. VCF-style: chr9-98826746-C-T. GRCh37 (hg19) VCF-style: chr9-101589028-C-T.
Identifiers: ClinVar variation 4876185 (VCV004876185.1).